The following is an entry in ClinVar:

NM_015922.3(NSDHL):c.543+6T>C

Gene: NSDHL (NAD(P) dependent 3-beta-hydroxysteroid dehydrogenase NSDHL; plus strand). Cytogenetic location: Xq28.
Variant type: single nucleotide variant.
Coding change: c.543+6T>C on transcript NM_015922.3 (MANE Select); 6 bases into the intron after coding-DNA position 543, T replaced by C.
Molecular consequence: intron variant.
Genome position (GRCh38, 1-based): chrX:152,862,730, T>C. VCF-style: chrX-152862730-T-C. GRCh37 (hg19) VCF-style: chrX-152031274-T-C.
Other names: c.543+6T>C (NM_001129765.2).
Identifiers: ClinVar variation 2795390 (VCV002795390.3), dbSNP rs2521799263, ClinGen allele CA2694983103.

ClinVar aggregate classification (germline): Uncertain significance (1 of 4 stars; one submission).

Submission:

Labcorp Genetics (formerly Invitae), Labcorp
Classification: Uncertain significance. Last evaluated: 2025-06-12. Review status: criteria provided, single submitter. Criteria: Invitae Variant Classification Sherloc (09022015). Collection method: clinical testing. Allele origin: germline.
Comment: This sequence change falls in intron 5 of the NSDHL gene. It does not directly change the encoded amino acid sequence of the NSDHL protein. It affects a nucleotide within the consensus splice site. This variant is not present in population databases (gnomAD no frequency). This variant has not been reported in the literature in individuals affected with NSDHL-related conditions. ClinVar contains an entry for this variant (Variation ID: 2795390). Variants that disrupt the consensus splice site are a relatively common cause of aberrant splicing (PMID: 17576681, 9536098). Algorithms developed to predict the effect of sequence changes on RNA splicing suggest that this variant is not likely to affect RNA splicing. In summary, the available evidence is currently insufficient to determine the role of this variant in disease. Therefore, it has been classified as a Variant of Uncertain Significance.

Literature cited by the submitters: PubMed 17576681; PubMed 9536098.